The following is an entry in ClinVar:

NM_001235.5(SERPINH1):c.1118G>A (p.Arg373His)

Gene: SERPINH1 (serpin family H member 1; plus strand). Cytogenetic location: 11q13.5.
Variant type: single nucleotide variant.
Coding change: c.1118G>A on transcript NM_001235.5 (MANE Select); coding-DNA position 1118, G replaced by A.
Protein change: p.Arg373His; replaces arginine 373 with histidine.
Molecular consequence: missense variant.
Genome position (GRCh38, 1-based): chr11:75,571,944, G>A. VCF-style: chr11-75571944-G-A. GRCh37 (hg19) VCF-style: chr11-75282989-G-A.
Other names: c.1118G>A, p.Arg373His (NM_001207014.3); short protein forms R373H.
Identifiers: ClinVar variation 2442771 (VCV002442771.1), dbSNP rs774719472, ClinGen allele CA6191017.

ClinVar aggregate classification (germline): Uncertain significance (1 of 4 stars; one submission).

Allele frequency attached by ClinVar (database versions not stated): ExAC 0.00001; gnomAD 0.00003; TOPMed 0.00003.
gnomAD v4.1: 23 of 1,614,104 alleles (0.0014%); highest among the groups gnomAD compares: African/African-American, 0.0053%; no homozygotes.

Submission:

GeneDx
Classification: Uncertain significance. Last evaluated: 2022-08-26. Review status: criteria provided, single submitter. Criteria: GeneDx Variant Classification Process June 2021. Collection method: clinical testing. Allele origin: germline. Affected: yes.
Comment: In silico analysis supports that this missense variant does not alter protein structure/function; Has not been previously published as pathogenic or benign to our knowledge